The following is an entry in ClinVar:

ClinVar aggregate classification (germline): Uncertain significance (1 of 4 stars; one submission).

Conditions:
Progressive myoclonic epilepsy. Also called: Familial progressive myoclonic epilepsy; Myoclonus epilepsy; Progressive myoclonus epilepsy; Myoclonic Epilepsies, Progressive. Identifiers: Orphanet 308, Orphanet 98261, MedGen C0751778, MONDO:0020074.

Submission:

Labcorp Genetics (formerly Invitae), Labcorp
Classification: Uncertain significance for Progressive myoclonic epilepsy. Last evaluated: 2024-02-17. Review status: criteria provided, single submitter. Criteria: Invitae Variant Classification Sherloc (09022015). Collection method: clinical testing. Allele origin: germline.
Comment: This variant, c.741_743del, results in the deletion of 1 amino acid(s) of the SCARB2 protein (p.Met247del), but otherwise preserves the integrity of the reading frame. This variant is not present in population databases (gnomAD no frequency). This variant has not been reported in the literature in individuals affected with SCARB2-related conditions. ClinVar contains an entry for this variant (Variation ID: 1024661). Experimental studies and prediction algorithms are not available or were not evaluated, and the functional significance of this variant is currently unknown. In summary, the available evidence is currently insufficient to determine the role of this variant in disease. Therefore, it has been classified as a Variant of Uncertain Significance.

NM_005506.4(SCARB2):c.741_743del (p.Met247del)

Gene: SCARB2 (scavenger receptor class B member 2; minus strand). Cytogenetic location: 4q21.1.
Variant type: Deletion.
Coding change: c.741_743del on transcript NM_005506.4 (MANE Select); coding-DNA positions 741 to 743, 3 bases deleted (GAT; older notation c.741_743delGAT).
Protein change: p.Met247del; deletes methionine 247.
Molecular consequence: inframe deletion.
Genome position (GRCh38, 1-based): chr4:76,175,872-76,175,874, ATC deleted on the plus strand (GAT on the coding strand, the reverse complement: SCARB2 is on the minus strand); deleting any 3 consecutive bases within chr4:76,175,872-76,175,876 gives the same sequence; the c. name uses the placement nearest the transcript's 3' end. VCF-style (leftmost placement, unchanged base first): chr4-76175871-AATC-A. GRCh37 (hg19) VCF-style: chr4-77097024-AATC-A.
Other names: c.312_314del, p.Met104del (NM_001204255.2); short protein forms M104del, M247del.
Identifiers: ClinVar variation 1024661 (VCV001024661.9), dbSNP rs1732241629, ClinGen allele CA1469491063.